The following is an entry in ClinVar:

NM_001374828.1(ARID1B):c.495_512dup (p.His170_His171insGlnGlnHisHisHisHis)

Genes: ARID1B (AT-rich interaction domain 1B; plus strand), LOC115308161 (uncharacterized LOC115308161; minus strand). Cytogenetic location: 6q25.3.
Variant type: Duplication.
Coding change: c.495_512dup on transcript NM_001374828.1 (MANE Select); coding-DNA positions 495 to 512, 18 bases duplicated (GCAGCACCACCACCACCA).
Protein change: p.His170_His171insGlnGlnHisHisHisHis.
Molecular consequence: inframe insertion.
Genome position (GRCh38, 1-based): chr6:156,778,175-156,778,192, GCAGCACCACCACCACCA duplicated; duplicating any 18 consecutive bases within chr6:156,778,169-156,778,192 gives the same sequence; the c. name uses the placement nearest the transcript's 3' end. VCF-style (leftmost placement, unchanged base first): chr6-156778168-C-CCCACCAGCAGCACCACCA. GRCh37 (hg19) VCF-style: chr6-157099302-C-CCCACCAGCAGCACCACCA.
Other names: c.495_512dup, p.His170_His171insGlnGlnHisHisHisHis (NM_001371656.1, NM_001374820.1, NM_017519.3); c.246_263dup (NM_020732.3).
Identifiers: ClinVar variation 3367253 (VCV003367253.1).
Genomic context (GRCh38, chr6:156,778,168, plus strand): 5'-AGACGGGGCTGCTCCCCAACCACAAACTGAAAACCGTTGGCGAAGCCCCCGCCGCGCCGC[C>CCCACCAGCAGCACCACCA]CCACCAGCAGCACCACCACCACCACCATGCCCACCACCACCACCACCATGCCCACCACCT-3'

ClinVar aggregate classification (germline): Uncertain significance (1 of 4 stars; one submission).

Submission:

GeneDx
Classification: Uncertain significance. Last evaluated: 2024-01-08. Review status: criteria provided, single submitter. Criteria: GeneDx Variant Classification Process June 2021. Collection method: clinical testing. Allele origin: germline. Affected: yes.
Comment: Not observed at significant frequency in large population cohorts (gnomAD); In-frame insertion of 6 amino acids in a repetitive region with no known function; Has not been previously published as pathogenic or benign to our knowledge